The following is an entry in ClinVar:

ClinVar aggregate classification (germline): Uncertain significance (1 of 4 stars; one submission).

Conditions:
Ehlers-Danlos syndrome, type 4 (EDSVASC). Also called: Ehlers-Danlos syndrome vascular type; Ehlers Danlos syndrome, ecchymotic type; Ehlers Danlos syndrome, arterial type; Ehlers Danlos syndrome, Sack-Barabas type; Ehlers-Danlos Syndrome Type IV. Identifiers: Orphanet 286, MedGen C0268338, MONDO:0017314, OMIM 130050.

Allele frequency attached by ClinVar (database versions not stated): gnomAD exomes below 0.00001.
gnomAD v4.1: 3 of 1,610,462 alleles (0.00019%); highest among the groups gnomAD compares: Non-Finnish European, 0.00025%; no homozygotes.

Submission:

Labcorp Genetics (formerly Invitae), Labcorp
Classification: Uncertain significance for Ehlers-Danlos syndrome, type 4. Last evaluated: 2021-12-02. Review status: criteria provided, single submitter. Criteria: Invitae Variant Classification Sherloc (09022015). Collection method: clinical testing. Allele origin: germline.
Comment: This sequence change replaces proline, which is neutral and non-polar, with alanine, which is neutral and non-polar, at codon 890 of the COL3A1 protein (p.Pro890Ala). This variant is not present in population databases (gnomAD no frequency). This variant has not been reported in the literature in individuals affected with COL3A1-related conditions. Advanced modeling of protein sequence and biophysical properties (such as structural, functional, and spatial information, amino acid conservation, physicochemical variation, residue mobility, and thermodynamic stability) performed at Invitae indicates that this missense variant is not expected to disrupt COL3A1 protein function. In summary, the available evidence is currently insufficient to determine the role of this variant in disease. Therefore, it has been classified as a Variant of Uncertain Significance.

NM_000090.4(COL3A1):c.2668C>G (p.Pro890Ala)

Gene: COL3A1 (collagen type III alpha 1 chain; plus strand). Cytogenetic location: 2q32.2.
Variant type: single nucleotide variant.
Coding change: c.2668C>G on transcript NM_000090.4 (MANE Select); coding-DNA position 2668, C replaced by G.
Protein change: p.Pro890Ala; replaces proline 890 with alanine.
Molecular consequence: missense variant.
Genome position (GRCh38, 1-based): chr2:189,003,988, C>G. VCF-style: chr2-189003988-C-G. GRCh37 (hg19) VCF-style: chr2-189868714-C-G.
Other names: short protein forms P890A.
Identifiers: ClinVar variation 1421209 (VCV001421209.3), dbSNP rs794728053, ClinGen allele CA349843687.